The following is an entry in ClinVar:

NM_001199138.2(NLRC4):c.489C>A (p.Ser163Arg)

Gene: NLRC4 (NLR family CARD domain containing 4; minus strand). Cytogenetic location: 2p22.3.
Variant type: single nucleotide variant.
Coding change: c.489C>A on transcript NM_001199138.2 (MANE Select); coding-DNA position 489, C replaced by A.
Protein change: p.Ser163Arg; replaces serine 163 with arginine.
Molecular consequence: missense variant. On other transcripts: intron variant (1).
Genome position (GRCh38, 1-based): chr2:32,251,375, G>T on the plus strand (C>A on the coding strand, the complement: NLRC4 is on the minus strand). VCF-style: chr2-32251375-G-T. GRCh37 (hg19) VCF-style: chr2-32476444-G-T.
Other names: c.489C>A, p.Ser163Arg (NM_001199139.2, NM_021209.5); c.262+1044C>A (NM_001302504.1); short protein forms S163R.
Identifiers: ClinVar variation 1345286 (VCV001345286.8), dbSNP rs1415927391, ClinGen allele CA346515882.

ClinVar aggregate classification (germline): Uncertain significance (1 of 4 stars; one submission).

Conditions:
Familial cold autoinflammatory syndrome 4 (FCAS4). Identifiers: Orphanet 47045, Orphanet 576349, MedGen C4015276, MONDO:0014498, OMIM 616115.
Periodic fever-infantile enterocolitis-autoinflammatory syndrome. Also called: Autoinflammation with infantile enterocolitis. Identifiers: Orphanet 436166, MedGen C4015067, MONDO:0014472, OMIM 616050.

gnomAD v4.1: 1 of 1,614,060 alleles (0.000062%); highest among the groups gnomAD compares: Non-Finnish European, 0.000085%; no homozygotes.

Submission:

Labcorp Genetics (formerly Invitae), Labcorp
Classification: Uncertain significance for Periodic fever-infantile enterocolitis-autoinflammatory syndrome; Familial cold autoinflammatory syndrome 4. Last evaluated: 2023-08-29. Review status: criteria provided, single submitter. Criteria: Invitae Variant Classification Sherloc (09022015). Collection method: clinical testing. Allele origin: germline.
Comment: In summary, the available evidence is currently insufficient to determine the role of this variant in disease. Therefore, it has been classified as a Variant of Uncertain Significance. Advanced modeling of protein sequence and biophysical properties (such as structural, functional, and spatial information, amino acid conservation, physicochemical variation, residue mobility, and thermodynamic stability) performed at Invitae indicates that this missense variant is not expected to disrupt NLRC4 protein function. ClinVar contains an entry for this variant (Variation ID: 1345286). This variant has not been reported in the literature in individuals affected with NLRC4-related conditions. This variant is not present in population databases (gnomAD no frequency). This sequence change replaces serine, which is neutral and polar, with arginine, which is basic and polar, at codon 163 of the NLRC4 protein (p.Ser163Arg).